The following is an entry in ClinVar:

NM_002471.4(MYH6):c.3324G>T (p.Lys1108Asn)

Gene: MYH6 (myosin heavy chain 6; minus strand). Cytogenetic location: 14q11.2.
Variant type: single nucleotide variant.
Coding change: c.3324G>T on transcript NM_002471.4 (MANE Select); coding-DNA position 3324, G replaced by T.
Protein change: p.Lys1108Asn; replaces lysine 1108 with asparagine.
Molecular consequence: missense variant.
Genome position (GRCh38, 1-based): chr14:23,392,580, C>A on the plus strand (G>T on the coding strand, the complement: MYH6 is on the minus strand). VCF-style: chr14-23392580-C-A. GRCh37 (hg19) VCF-style: chr14-23861789-C-A.
Other names: short protein forms K1108N.
Identifiers: ClinVar variation 179838 (VCV000179838.4), dbSNP rs727505164, ClinGen allele CA185242.
Genomic context (GRCh38, chr14:23,392,580, plus strand): 5'-GCTATTGAGCTCCCACTTTCATGCACTGGGAAAAAAAGTCACCTGGTTTTCCTTCAGTTT[C>A]TTCTGTAGTTGAAGGGCCAGCACCTGCTCATCCTCAATCTTACTGTTCTGCTGATTAATG-3'
Protein context (NP_002462.2, residues 1098-1118): DEQVLALQLQ[Lys1108Asn]KLKENQARIE

ClinVar aggregate classification (germline): Uncertain significance (1 of 4 stars; one submission).

Allele frequency attached by ClinVar (database versions not stated): TOPMed below 0.00001; gnomAD exomes below 0.00001.
gnomAD v4.1: 1 of 1,573,008 alleles (0.000064%); highest among the groups gnomAD compares: African/African-American, 0.0014%; no homozygotes.

Submission:

Laboratory for Molecular Medicine, Mass General Brigham Personalized Medicine
Classification: Uncertain significance. Last evaluated: 2015-07-24. Review status: criteria provided, single submitter. Criteria: LMM Criteria. Collection method: clinical testing. Allele origin: germline. Observed: 1 variant allele.
Comment: proposed classification - variant undergoing re-assessment, contact laboratory